The following is an entry in ClinVar:

NM_001648.2(KLK3):c.*15C>T

Gene: KLK3 (kallikrein related peptidase 3; plus strand). Cytogenetic location: 19q13.33.
Variant type: single nucleotide variant.
Coding change: c.*15C>T on transcript NM_001648.2 (MANE Select); 15 bases downstream of the stop codon, C replaced by T.
Molecular consequence: 3 prime UTR variant.
Genome position (GRCh38, 1-based): chr19:50,860,142, C>T. VCF-style: chr19-50860142-C-T. GRCh37 (hg19) VCF-style: chr19-51363398-C-T.
Other names: c.*526C>T (NM_001030047.1); c.*15C>T (NM_001030048.1).
Identifiers: ClinVar variation 1288242 (VCV001288242.2), dbSNP rs1058205, ClinGen allele CA9604619.

ClinVar aggregate classification (germline): Benign. Review status: criteria provided, multiple submitters, no conflicts (2 of 4 stars). 2 submissions from 2 submitters: Benign (2). Last evaluated 2020-10-29.

Allele frequency attached by ClinVar (database versions not stated): 1000 Genomes Project 0.63099; 1000 Genomes Project 30x 0.63101; TOPMed 0.72266; gnomAD 0.73847 and 0.74301; ESP Exome Variant Server 0.74796; gnomAD exomes 0.75124; ExAC 0.75183.
gnomAD v4.1: 1,248,439 of 1,585,160 alleles (79%); highest among the groups gnomAD compares: Non-Finnish European, 82%; 496,373 homozygotes.

Submissions (2):

GeneDx
Classification: Benign. Last evaluated: 2020-10-29. Review status: criteria provided, single submitter. Criteria: GeneDx Variant Classification Process June 2021. Collection method: clinical testing. Allele origin: germline. Affected: yes.
Comment: This variant is associated with the following publications: (PMID: 25691096)

Breakthrough Genomics
Classification: Benign. Review status: criteria provided, single submitter. Criteria: ACMG Guidelines, 2015. Collection method: not provided. Allele origin: germline. Inheritance: Unknown mechanism. Affected: yes.